The following is an entry in ClinVar:

NM_020911.2(PLXNA4):c.1371+4420C>G

Gene: PLXNA4 (plexin A4; minus strand). Cytogenetic location: 7q32.3.
Variant type: single nucleotide variant.
Coding change: c.1371+4420C>G on transcript NM_020911.2 (MANE Select); 4420 bases into the intron after coding-DNA position 1371, C replaced by G.
Molecular consequence: intron variant. On other transcripts: missense variant (1).
Genome position (GRCh38, 1-based): chr7:132,484,872, G>C on the plus strand (C>G on the coding strand, the complement: PLXNA4 is on the minus strand). VCF-style: chr7-132484872-G-C. GRCh37 (hg19) VCF-style: chr7-132169631-G-C.
Other names: c.1513C>G, p.Gln505Glu (NM_181775.4); c.1371+4420C>G (NM_001393897.1, NM_001105543.2); short protein forms Q505E.
Identifiers: ClinVar variation 3347101 (VCV003347101.1).

ClinVar aggregate classification (germline): Uncertain significance (0 of 4 stars; one submission).

Conditions:
PLXNA4-related disorder. Also called: PLXNA4-related condition.

gnomAD v4.1: 3 of 1,614,062 alleles (0.00019%); highest among the groups gnomAD compares: Non-Finnish European, 0.00025%; no homozygotes.

Submission:

PreventionGenetics, part of Exact Sciences
Classification: Uncertain significance for PLXNA4-related condition. Last evaluated: 2024-07-31. Review status: no assertion criteria provided. Collection method: clinical testing. Allele origin: germline.
Comment: The PLXNA4 c.1513C>G variant is predicted to result in the amino acid substitution p.Gln505Glu. To our knowledge, this variant has not been reported in the literature or in a large population database, indicating this variant is rare. At this time, the clinical significance of this variant is uncertain due to the absence of conclusive functional and genetic evidence.